The following is an entry in ClinVar:

NM_001318510.2(ACSL4):c.232A>G (p.Ile78Val)

Gene: ACSL4 (acyl-CoA synthetase long chain family member 4; minus strand). Cytogenetic location: Xq23.
Variant type: single nucleotide variant.
Coding change: c.232A>G on transcript NM_001318510.2 (MANE Select); coding-DNA position 232, A replaced by G.
Protein change: p.Ile78Val; replaces isoleucine 78 with valine.
Molecular consequence: missense variant.
Genome position (GRCh38, 1-based): chrX:109,682,893, T>C on the plus strand (A>G on the coding strand, the complement: ACSL4 is on the minus strand). VCF-style: chrX-109682893-T-C. GRCh37 (hg19) VCF-style: chrX-108926122-T-C.
Other names: c.355A>G, p.Ile119Val (NM_001318509.2, NM_001437245.1, NM_001437247.1 and 2 more transcripts); c.232A>G, p.Ile78Val (NM_001437250.1, NM_001437251.1, NM_001437252.1 and 2 more transcripts); short protein forms I119V, I78V.
Identifiers: ClinVar variation 4891183 (VCV004891183.1).

ClinVar aggregate classification (germline): Uncertain significance (1 of 4 stars; one submission).

Submission:

Greenwood Genetic Center Diagnostic Laboratories, Greenwood Genetic Center
Classification: Uncertain significance. Last evaluated: 2026-06-25. Review status: criteria provided, single submitter. Criteria: ACMG Guidelines, 2015. Collection method: clinical testing. Allele origin: germline.
Comment: PM2, BP4, PP2